The following is an entry in ClinVar:

NM_016507.4(CDK12):c.4298C>G (p.Ala1433Gly)

Gene: CDK12 (cyclin dependent kinase 12; plus strand). Cytogenetic location: 17q12.
Variant type: single nucleotide variant.
Coding change: c.4298C>G on transcript NM_016507.4 (MANE Select); coding-DNA position 4298, C replaced by G.
Protein change: p.Ala1433Gly; replaces alanine 1433 with glycine.
Molecular consequence: missense variant.
Genome position (GRCh38, 1-based): chr17:39,531,141, C>G. VCF-style: chr17-39531141-C-G. GRCh37 (hg19) VCF-style: chr17-37687394-C-G.
Other names: c.4271C>G, p.Ala1424Gly (NM_015083.4); short protein forms A1424G, A1433G.
Identifiers: ClinVar variation 3999325 (VCV003999325.1).

ClinVar aggregate classification (germline): Uncertain significance (1 of 4 stars; one submission).

gnomAD v4.1: 2 of 1,539,994 alleles (0.00013%); highest among the groups gnomAD compares: African/African-American, 0.0014%; no homozygotes.

Submission:

Ambry Genetics
Classification: Uncertain significance. Last evaluated: 2025-04-05. Review status: criteria provided, single submitter. Criteria: Ambry Variant Classification Scheme 2023. Collection method: clinical testing. Allele origin: germline.
Comment: The p.A1433G variant (also known as c.4298C>G), located in coding exon 14 of the CDK12 gene, results from a C to G substitution at nucleotide position 4298. The alanine at codon 1433 is replaced by glycine, an amino acid with similar properties. This amino acid position is conserved. In addition, this alteration is predicted to be tolerated by in silico analysis. Based on the available evidence, the clinical significance of this variant remains unclear.